The following is an entry in ClinVar:

NM_001173464.2(KIF21A):c.*812T>C

Gene: KIF21A (kinesin family member 21A; minus strand). Cytogenetic location: 12q12.
Variant type: single nucleotide variant.
Coding change: c.*812T>C on transcript NM_001173464.2 (MANE Select); 812 bases downstream of the stop codon, T replaced by C.
Molecular consequence: 3 prime UTR variant.
Genome position (GRCh38, 1-based): chr12:39,293,612, A>G on the plus strand (T>C on the coding strand, the complement: KIF21A is on the minus strand). VCF-style: chr12-39293612-A-G. GRCh37 (hg19) VCF-style: chr12-39687414-A-G.
Other names: c.*812T>C (NM_001173463.2, NM_001173465.2, NM_017641.4).
Identifiers: ClinVar variation 308531 (VCV000308531.5), dbSNP rs532231850, ClinGen allele CA10637308.

ClinVar aggregate classification (germline): Benign (1 of 4 stars; one submission).

Conditions:
Congenital fibrosis of extraocular muscles type 1. Also called: CFEOM3B; BLEPHAROPTOSIS WITH ABSENT EYE MOVEMENTS; OPHTHALMOPLEGIA, CONGENITAL; FEOM1 LOCUS. Identifiers: MedGen C1851102, MONDO:0021083, OMIM 135700.

Allele frequency attached by ClinVar (database versions not stated): gnomAD 0.00090 and 0.00080; 1000 Genomes Project 30x 0.00031; 1000 Genomes Project 0.00040; TOPMed 0.00085.

Submission:

Illumina Laboratory Services, Illumina
Classification: Benign for Congenital fibrosis of extraocular muscles type 1. Last evaluated: 2018-01-13. Review status: criteria provided, single submitter. Criteria: ICSL Variant Classification Criteria 13 December 2019. Collection method: clinical testing. Allele origin: germline.
Comment: This variant was observed in the ICSL laboratory as part of a predisposition screen in an ostensibly healthy population. It had not been previously curated by ICSL or reported in the Human Gene Mutation Database (HGMD: prior to June 1st, 2018), and was therefore a candidate for classification through an automated scoring system. Utilizing variant allele frequency, disease prevalence and penetrance estimates, and inheritance mode, an automated score was calculated to assess if this variant is too frequent to cause the disease. Based on the score and internal cut-off values, a variant classified as benign is not then subjected to further curation. The score for this variant resulted in a classification of benign for this disease.